The following is an entry in ClinVar:

NM_001005242.3(PKP2):c.1035-197C>A

Gene: PKP2 (plakophilin 2; minus strand). Cytogenetic location: 12p11.21.
Variant type: single nucleotide variant.
Coding change: c.1035-197C>A on transcript NM_001005242.3 (MANE Select); 197 bases into the intron before coding-DNA position 1035, C replaced by A.
Molecular consequence: intron variant.
Genome position (GRCh38, 1-based): chr12:32,869,259, G>T on the plus strand (C>A on the coding strand, the complement: PKP2 is on the minus strand). VCF-style: chr12-32869259-G-T. GRCh37 (hg19) VCF-style: chr12-33022193-G-T.
Other names: c.1035-197C>A (NM_004572.4).
Identifiers: ClinVar variation 674314 (VCV000674314.2), dbSNP rs77756570, ClinGen allele CA235260343.

ClinVar aggregate classification (germline): Likely benign. Review status: criteria provided, multiple submitters, no conflicts (2 of 4 stars). 2 submissions from 2 submitters: Likely benign (2). Last evaluated 2018-06-19.

Allele frequency attached by ClinVar (database versions not stated): gnomAD 0.00805 and 0.00869; TOPMed 0.00842; 1000 Genomes Project 0.00899; 1000 Genomes Project 30x 0.00921.
gnomAD v4.1: 1,316 of 152,014 alleles (0.87%); highest among the groups gnomAD compares: South Asian, 2.3%; 5 homozygotes.

Submissions (2):

GeneDx
Classification: Likely benign. Last evaluated: 2018-06-19. Review status: criteria provided, single submitter. Criteria: GeneDx Variant Classification (06012015). Collection method: clinical testing. Allele origin: germline. Affected: yes.
Comment: This variant is considered likely benign or benign based on one or more of the following criteria: it is a conservative change, it occurs at a poorly conserved position in the protein, it is predicted to be benign by multiple in silico algorithms, and/or has population frequency not consistent with disease.

Breakthrough Genomics
Classification: Likely benign. Review status: criteria provided, single submitter. Criteria: ACMG Guidelines, 2015. Collection method: not provided. Allele origin: germline. Inheritance: Autosomal dominant inheritance. Affected: yes.